The following is an entry in ClinVar:

NM_006767.4(LZTR1):c.2343C>G (p.Asp781Glu)

Gene: LZTR1 (leucine zipper like post translational regulator 1; plus strand). Cytogenetic location: 22q11.21.
Variant type: single nucleotide variant.
Coding change: c.2343C>G on transcript NM_006767.4 (MANE Select); coding-DNA position 2343, C replaced by G.
Protein change: p.Asp781Glu; replaces aspartic acid 781 with glutamic acid.
Molecular consequence: missense variant.
Genome position (GRCh38, 1-based): chr22:20,996,903, C>G. VCF-style: chr22-20996903-C-G. GRCh37 (hg19) VCF-style: chr22-21351192-C-G.
Other names: short protein forms D781E.
Identifiers: ClinVar variation 1430494 (VCV001430494.12), dbSNP rs763193690, ClinGen allele CA10119372.
Genomic context (GRCh38, chr22:20,996,903, plus strand): 5'-AGTGGGTGAAAGGGGCAGCGCCTCAAGGTCCCTGCCATTGCAGATCCTGGAGGCAGCTGA[C>G]AAAACGCAGGCACTGGACATGAAGCGGCACTGCCTGCACATCATTGTGCACCAGTTCACC-3'
Protein context (NP_006758.2, residues 771-791): QNVLQILEAA[Asp781Glu]KTQALDMKRH

ClinVar aggregate classification (germline): Uncertain significance. Review status: criteria provided, multiple submitters, no conflicts (2 of 4 stars). 4 submissions from 4 submitters: Uncertain significance (4). Last evaluated 2026-04-23.

Conditions:
Hereditary cancer-predisposing syndrome. Also called: Neoplastic Syndromes, Hereditary; Hereditary Cancer Syndrome; Tumor predisposition; Hereditary neoplastic syndrome. Identifiers: Orphanet 140162, MedGen C0027672, MeSH D009386, MONDO:0015356.
Cardiovascular phenotype. Identifiers: MedGen CN230736.
LZTR1-related schwannomatosis. Also called: Schwannomatosis 2; Schwannomatosis-2, susceptibility to. Identifiers: Orphanet 93921, MedGen C3810283, MONDO:0014299, OMIM 615670.

Allele frequency attached by ClinVar (database versions not stated): gnomAD exomes below 0.00001; gnomAD 0.00001; ExAC 0.00001.

Submissions (4):

GeneDx
Classification: Uncertain significance. Last evaluated: 2026-04-23. Review status: criteria provided, single submitter. Criteria: GeneDx Variant Classification Process June 2021. Collection method: clinical testing. Allele origin: germline.
Comment: Not observed at significant frequency in large population cohorts (gnomAD); In silico analysis suggests that this missense variant does not alter protein structure/function; Has not been previously published as pathogenic or benign to our knowledge

Labcorp Genetics (formerly Invitae), Labcorp
Classification: Uncertain significance. Last evaluated: 2025-09-13. Review status: criteria provided, single submitter. Criteria: Invitae Variant Classification Sherloc (09022015). Collection method: clinical testing. Allele origin: germline.
Comment: This sequence change replaces aspartic acid, which is acidic and polar, with glutamic acid, which is acidic and polar, at codon 781 of the LZTR1 protein (p.Asp781Glu). This variant is present in population databases (rs763193690, gnomAD 0.0009%). This variant has not been reported in the literature in individuals affected with LZTR1-related conditions. ClinVar contains an entry for this variant (Variation ID: 1430494). Invitae Evidence Modeling of protein sequence and biophysical properties (such as structural, functional, and spatial information, amino acid conservation, physicochemical variation, residue mobility, and thermodynamic stability) indicates that this missense variant is not expected to disrupt LZTR1 protein function with a negative predictive value of 80%. In summary, the available evidence is currently insufficient to determine the role of this variant in disease. Therefore, it has been classified as a Variant of Uncertain Significance.

Ambry Genetics
Classification: Uncertain significance for Cardiovascular phenotype; Hereditary cancer-predisposing syndrome. Last evaluated: 2024-09-26. Review status: criteria provided, single submitter. Criteria: Ambry Variant Classification Scheme 2023. Collection method: clinical testing. Allele origin: germline.
Comment: The p.D781E variant (also known as c.2343C>G), located in coding exon 20 of the LZTR1 gene, results from a C to G substitution at nucleotide position 2343. The aspartic acid at codon 781 is replaced by glutamic acid, an amino acid with highly similar properties. This amino acid position is highly conserved in available vertebrate species. In addition, the in silico prediction for this alteration is inconclusive. Based on the available evidence, the clinical significance of this variant remains unclear.

Baylor Genetics
Classification: Uncertain significance for LZTR1-related schwannomatosis. Last evaluated: 2023-05-24. Review status: criteria provided, single submitter. Criteria: ACMG Guidelines, 2015. Collection method: clinical testing. Allele origin: unknown.